The following is an entry in ClinVar:

NM_006914.4(RORB):c.1094C>A (p.Ala365Asp)

Gene: RORB (RAR related orphan receptor B; plus strand). Cytogenetic location: 9q21.13.
Variant type: single nucleotide variant.
Coding change: c.1094C>A on transcript NM_006914.4 (MANE Select); coding-DNA position 1094, C replaced by A.
Protein change: p.Ala365Asp; replaces alanine 365 with aspartic acid.
Molecular consequence: missense variant.
Genome position (GRCh38, 1-based): chr9:74,667,884, C>A. VCF-style: chr9-74667884-C-A. GRCh37 (hg19) VCF-style: chr9-77282800-C-A.
Other names: c.1127C>A, p.Ala376Asp (NM_001365023.1); short protein forms A365D, A376D.
Identifiers: ClinVar variation 2831732 (VCV002831732.3), dbSNP rs2489639685, ClinGen allele CA373771542.
Genomic context (GRCh38, chr9:74,667,884, plus strand): 5'-TTGCAAAGAATTTGTGTTCCTTGCAGCTGACCGAGGAGGAGATCGCTTTGTTCTCATCTG[C>A]TGTTCTGATATCTCCAGGTAGGGCAGTCTCAGTTCTCTTACCTTTTTAAAAAACTTGTTT-3'
Protein context (NP_008845.2, residues 355-375): TEEEIALFSS[Ala365Asp]VLISPDRAWL

ClinVar aggregate classification (germline): Uncertain significance (1 of 4 stars; one submission).

Submission:

Labcorp Genetics (formerly Invitae), Labcorp
Classification: Uncertain significance. Last evaluated: 2024-04-15. Review status: criteria provided, single submitter. Criteria: Invitae Variant Classification Sherloc (09022015). Collection method: clinical testing. Allele origin: germline.
Comment: This sequence change replaces alanine, which is neutral and non-polar, with aspartic acid, which is acidic and polar, at codon 365 of the RORB protein (p.Ala365Asp). This variant is not present in population databases (gnomAD no frequency). This variant has not been reported in the literature in individuals affected with RORB-related conditions. An algorithm developed to predict the effect of missense changes on protein structure and function (PolyPhen-2) suggests that this variant is likely to be disruptive. In summary, the available evidence is currently insufficient to determine the role of this variant in disease. Therefore, it has been classified as a Variant of Uncertain Significance.